The following is an entry in ClinVar:

ClinVar aggregate classification (germline): Uncertain significance (1 of 4 stars; one submission).

gnomAD v4.1: 4 of 1,517,272 alleles (0.00026%); highest among the groups gnomAD compares: South Asian, 0.004%; no homozygotes.

Submission:

Labcorp Genetics (formerly Invitae), Labcorp
Classification: Uncertain significance. Last evaluated: 2025-09-24. Review status: criteria provided, single submitter. Criteria: Invitae Variant Classification Sherloc (09022015). Collection method: clinical testing. Allele origin: germline.
Comment: This sequence change replaces arginine, which is basic and polar, with leucine, which is neutral and non-polar, at codon 723 of the KCNH1 protein (p.Arg723Leu). This variant is not present in population databases (gnomAD no frequency). This variant has not been reported in the literature in individuals affected with KCNH1-related conditions. Invitae Evidence Modeling of protein sequence and biophysical properties (such as structural, functional, and spatial information, amino acid conservation, physicochemical variation, residue mobility, and thermodynamic stability) has been performed for this missense variant. However, the output from this modeling did not meet the statistical confidence thresholds required to predict the impact of this variant on KCNH1 protein function. In summary, the available evidence is currently insufficient to determine the role of this variant in disease. Therefore, it has been classified as a Variant of Uncertain Significance.

NM_172362.3(KCNH1):c.2168G>T (p.Arg723Leu)

Gene: KCNH1 (potassium voltage-gated channel subfamily H member 1; minus strand). Cytogenetic location: 1q32.2.
Variant type: single nucleotide variant.
Coding change: c.2168G>T on transcript NM_172362.3 (MANE Select); coding-DNA position 2168, G replaced by T.
Protein change: p.Arg723Leu; replaces arginine 723 with leucine.
Molecular consequence: missense variant.
Genome position (GRCh38, 1-based): chr1:210,684,083, C>A on the plus strand (G>T on the coding strand, the complement: KCNH1 is on the minus strand). VCF-style: chr1-210684083-C-A. GRCh37 (hg19) VCF-style: chr1-210857425-C-A.
Other names: c.2087G>T, p.Arg696Leu (NM_002238.4); short protein forms R696L, R723L.
Identifiers: ClinVar variation 4809116 (VCV004809116.1).